The following is an entry in ClinVar:

ClinVar aggregate classification (germline): Conflicting classifications of pathogenicity. Review status: criteria provided, conflicting classifications (1 of 4 stars). 2 submissions from 2 submitters: Uncertain significance (1); Likely benign (1). Last evaluated 2022-06-22.

Conditions:
Primary ciliary dyskinesia. Also called: Ciliary dyskinesia. Identifiers: Orphanet 244, MedGen C0008780, MONDO:0016575, HP:0012265.

Submissions (2):

Labcorp Genetics (formerly Invitae), Labcorp
Classification: Uncertain significance for Primary ciliary dyskinesia. Last evaluated: 2022-06-22. Review status: criteria provided, single submitter. Criteria: Invitae Variant Classification Sherloc (09022015). Collection method: clinical testing. Allele origin: germline.
Comment: This variant, c.3074_3085dup, results in the insertion of 4 amino acid(s) of the RPGR (ORF15) protein (p.Val1025_Glu1028dup), but otherwise preserves the integrity of the reading frame. The frequency data for this variant in the population databases is considered unreliable, as metrics indicate poor data quality at this position in the gnomAD database. This variant has not been reported in the literature in individuals affected with RPGR (ORF15)-related conditions. Experimental studies and prediction algorithms are not available or were not evaluated, and the functional significance of this variant is currently unknown. In summary, the available evidence is currently insufficient to determine the role of this variant in disease. Therefore, it has been classified as a Variant of Uncertain Significance.

PreventionGenetics, part of Exact Sciences
Classification: Likely benign. Last evaluated: 2018-11-14. Review status: criteria provided, single submitter. Criteria: ACMG Guidelines, 2015. Collection method: clinical testing. Allele origin: germline.

NM_001034853.2(RPGR):c.3062TGGAAGGGGAGG[3] (p.Glu1028_Glu1029insValGluGlyGlu)

Gene: RPGR (retinitis pigmentosa GTPase regulator; minus strand). Cytogenetic location: Xp11.4.
Variant type: Microsatellite.
Coding change: c.3062TGGAAGGGGAGG[3] on transcript NM_001034853.2 (MANE Select); three copies in a row of the 12-base unit TGGAAGGGGAGG starting at c.3062; the reference has two copies in a row; one copy, 12 bases duplicated.
Protein change: p.Glu1028_Glu1029insValGluGlyGlu.
Molecular consequence: inframe insertion. On other transcripts: intron variant (8).
Genome position (GRCh38, 1-based): chrX:38,285,914-38,285,925, CCTCCCCTTCCA duplicated on the plus strand (TGGAAGGGGAGG on the coding strand, the reverse complement: RPGR is on the minus strand); duplicating any 12 consecutive bases within chrX:38,285,914-38,285,938 gives the same sequence; the position shown is the placement nearest the transcript's 3' end. VCF-style (leftmost placement, unchanged base first): chrX-38285913-T-TCCTCCCCTTCCA. GRCh37 (hg19) VCF-style: chrX-38145166-T-TCCTCCCCTTCCA.
Other names: c.1569+5022TGGAAGGGGAGG[3] (NM_001367249.1, NM_001367250.1); c.1902+1157TGGAAGGGGAGG[3] (NM_001367245.1); c.1386+5022TGGAAGGGGAGG[3] (NM_001367251.1); c.1719+1157TGGAAGGGGAGG[3] (NM_001367246.1); c.1572+5022TGGAAGGGGAGG[3] (NM_001367247.1); c.1905+1157TGGAAGGGGAGG[3] (NM_000328.3); c.1602+5022TGGAAGGGGAGG[3] (NM_001367248.1).
Identifiers: ClinVar variation 1802308 (VCV001802308.6), dbSNP rs201134185, ClinGen allele CA10385207.